The following is an entry in ClinVar:

NM_001077653.2(TBX20):c.1219C>A (p.Gln407Lys)

Gene: TBX20 (T-box transcription factor 20; minus strand). Cytogenetic location: 7p14.2.
Variant type: single nucleotide variant.
Coding change: c.1219C>A on transcript NM_001077653.2 (MANE Select); coding-DNA position 1219, C replaced by A.
Protein change: p.Gln407Lys; replaces glutamine 407 with lysine.
Molecular consequence: missense variant.
Genome position (GRCh38, 1-based): chr7:35,202,555, G>T on the plus strand (C>A on the coding strand, the complement: TBX20 is on the minus strand). VCF-style: chr7-35202555-G-T. GRCh37 (hg19) VCF-style: chr7-35242167-G-T.
Other names: short protein forms Q407K.
Identifiers: ClinVar variation 4719998 (VCV004719998.1).

ClinVar aggregate classification (germline): Uncertain significance (1 of 4 stars; one submission).

Submission:

Labcorp Genetics (formerly Invitae), Labcorp
Classification: Uncertain significance. Last evaluated: 2025-05-22. Review status: criteria provided, single submitter. Criteria: Invitae Variant Classification Sherloc (09022015). Collection method: clinical testing. Allele origin: germline.
Comment: This sequence change replaces glutamine, which is neutral and polar, with lysine, which is basic and polar, at codon 407 of the TBX20 protein (p.Gln407Lys). This variant is not present in population databases (gnomAD no frequency). This variant has not been reported in the literature in individuals affected with TBX20-related conditions. An algorithm developed to predict the effect of missense changes on protein structure and function (PolyPhen-2) suggests that this variant is likely to be tolerated. In summary, the available evidence is currently insufficient to determine the role of this variant in disease. Therefore, it has been classified as a Variant of Uncertain Significance.